The following is an entry in ClinVar:

NM_024675.4(PALB2):c.1694G>A (p.Ser565Asn)

Gene: PALB2 (partner and localizer of BRCA2; minus strand). Cytogenetic location: 16p12.2.
Variant type: single nucleotide variant.
Coding change: c.1694G>A on transcript NM_024675.4 (MANE Select); coding-DNA position 1694, G replaced by A.
Protein change: p.Ser565Asn; replaces serine 565 with asparagine.
Molecular consequence: missense variant.
Genome position (GRCh38, 1-based): chr16:23,630,460, C>T on the plus strand (G>A on the coding strand, the complement: PALB2 is on the minus strand). VCF-style: chr16-23630460-C-T. GRCh37 (hg19) VCF-style: chr16-23641781-C-T.
Other names: short protein forms S565N.
Identifiers: ClinVar variation 232674 (VCV000232674.26), dbSNP rs876659914, ClinGen allele CA10580002.

ClinVar aggregate classification (germline): Conflicting classifications of pathogenicity. Review status: criteria provided, conflicting classifications (1 of 4 stars). 5 submissions from 5 submitters: Uncertain significance (4); Likely benign (1). Last evaluated 2025-05-09.

Conditions:
Hereditary cancer-predisposing syndrome. Also called: Neoplastic Syndromes, Hereditary; Tumor predisposition; Hereditary Cancer Syndrome; Hereditary neoplastic syndrome. Identifiers: Orphanet 140162, MedGen C0027672, MeSH D009386, MONDO:0015356.
Familial cancer of breast. Also called: BREAST CANCER, FAMILIAL; hereditary breast carcinoma; Hereditary breast cancer. Identifiers: Orphanet 227535, MedGen C0346153, MONDO:0016419, OMIM 114480. Disease mechanism: loss of function.

Allele frequency attached by ClinVar (database versions not stated): gnomAD exomes below 0.00001.
gnomAD v4.1: 2 of 1,610,432 alleles (0.00012%); highest among the groups gnomAD compares: Non-Finnish European, 0.00017%; no homozygotes.

Submissions (5):

Labcorp Genetics (formerly Invitae), Labcorp
Classification: Uncertain significance for Familial cancer of breast. Last evaluated: 2025-05-09. Review status: criteria provided, single submitter. Criteria: Invitae Variant Classification Sherloc (09022015). Collection method: clinical testing. Allele origin: germline.
Comment: This sequence change replaces serine, which is neutral and polar, with asparagine, which is neutral and polar, at codon 565 of the PALB2 protein (p.Ser565Asn). This variant is not present in population databases (gnomAD no frequency). This variant has not been reported in the literature in individuals affected with PALB2-related conditions. ClinVar contains an entry for this variant (Variation ID: 232674). Invitae Evidence Modeling of protein sequence and biophysical properties (such as structural, functional, and spatial information, amino acid conservation, physicochemical variation, residue mobility, and thermodynamic stability) indicates that this missense variant is not expected to disrupt PALB2 protein function with a negative predictive value of 80%. In summary, the available evidence is currently insufficient to determine the role of this variant in disease. Therefore, it has been classified as a Variant of Uncertain Significance.

Ambry Genetics
Classification: Likely benign for Hereditary cancer-predisposing syndrome. Last evaluated: 2025-01-10. Review status: criteria provided, single submitter. Criteria: Ambry Variant Classification Scheme 2023. Collection method: clinical testing. Allele origin: germline.

Women's Health and Genetics/Laboratory Corporation of America, LabCorp
Classification: Uncertain significance. Last evaluated: 2024-03-29. Review status: criteria provided, single submitter. Criteria: LabCorp Variant Classification Summary - May 2015. Collection method: clinical testing. Allele origin: germline.

GeneDx
Classification: Uncertain significance. Last evaluated: 2024-02-28. Review status: criteria provided, single submitter. Criteria: GeneDx Variant Classification Process June 2021. Collection method: clinical testing. Allele origin: germline. Affected: yes.
Comment: Not observed in large population cohorts (gnomAD); In silico analysis supports that this missense variant does not alter protein structure/function; Has not been previously published as pathogenic or benign to our knowledge

Color Diagnostics, LLC DBA Color Health
Classification: Uncertain significance for Hereditary cancer-predisposing syndrome. Last evaluated: 2022-01-06. Review status: criteria provided, single submitter. Criteria: ACMG Guidelines, 2015. Collection method: clinical testing. Allele origin: germline.
Comment: This missense variant replaces serine with asparagine at codon 565 of the PALB2 protein. Computational prediction suggests that this variant may not impact protein structure and function (internally defined REVEL score threshold <= 0.5, PMID: 27666373). To our knowledge, functional studies have not been reported for this variant. This variant has not been reported in individuals affected with hereditary cancer in the literature. This variant has not been identified in the general population by the Genome Aggregation Database (gnomAD). The available evidence is insufficient to determine the role of this variant in disease conclusively. Therefore, this variant is classified as a Variant of Uncertain Significance.